The following is an entry in ClinVar:

NM_002693.3(POLG):c.1140dup (p.Thr381fs)

Genes: POLG (DNA polymerase gamma, catalytic subunit; minus strand), POLGARF (POLG alternative reading frame; minus strand). Cytogenetic location: 15q26.1.
Variant type: Duplication.
Coding change: c.1140dup on transcript NM_002693.3 (MANE Select); coding-DNA position 1140, one base duplicated (C; older notation c.1140dupC).
Protein change: p.Thr381fs; shifts the reading frame from threonine 381.
Molecular consequence: frameshift variant.
Genome position (GRCh38, 1-based): chr15:89,328,715, G duplicated on the plus strand (C on the coding strand, the reverse complement: POLG is on the minus strand). VCF-style (leftmost placement, unchanged base first): chr15-89328714-T-TG. GRCh37 (hg19) VCF-style: chr15-89871945-T-TG.
Other names: c.1140dup, p.Thr381fs (NM_001126131.2); c.1140dupC (NM_002693.2); short protein forms T381fs.
Identifiers: ClinVar variation 694428 (VCV000694428.1), dbSNP rs1596359384, ClinGen allele CA915946105.

ClinVar aggregate classification (germline): Pathogenic (1 of 4 stars; one submission).

Conditions:
mitochondrial hepatopathy. Identifiers: MedGen C1328348.

Submission:

Laboratory of Inherited Metabolic Diseases, Research centre for medical genetics
Classification: Pathogenic for Mitochondrial hepatopathy. Last evaluated: 2019-07-17. Review status: criteria provided, single submitter. Criteria: ACMG Guidelines, 2015. Collection method: clinical testing. Allele origin: paternal. Inheritance: Autosomal recessive inheritance. Affected: yes.
Comment: found in compound heterozygous with c.1399G>A (p.Ala467Thr)